The following is an entry in ClinVar:

ClinVar aggregate classification (germline): Uncertain significance. Review status: criteria provided, multiple submitters, no conflicts (2 of 4 stars). 4 submissions from 4 submitters: Uncertain significance (4). Last evaluated 2025-12-24.

Conditions:
Catecholaminergic polymorphic ventricular tachycardia (CVPT). Also called: Catecholamine-induced polymorphic ventricular tachycardia. Identifiers: Orphanet 3286, MedGen C5574922, MONDO:0017990.
Cardiomyopathy (CMYO). Also called: Cardiomyopathies. Identifiers: Orphanet 167848, MedGen C0878544, MONDO:0004994, HP:0001638. Inheritance: Various modes of inheritance.
Catecholaminergic polymorphic ventricular tachycardia 1. Also called: VENTRICULAR TACHYCARDIA, STRESS-INDUCED POLYMORPHIC 1; VENTRICULAR TACHYCARDIA, CATECHOLAMINERGIC POLYMORPHIC, 1, WITH OR WITHOUT ATRIAL DYSFUNCTION AND/OR DILATED CARDIOMYOPATHY; RYR2-Related Catecholaminergic Polymorphic Ventricular Tachycardia. Identifiers: Orphanet 3286, MedGen C1631597, MONDO:0011484, OMIM 604772.
Cardiovascular phenotype. Identifiers: MedGen CN230736.

Allele frequency attached by ClinVar (database versions not stated): gnomAD exomes below 0.00001; TOPMed below 0.00001; ExAC 0.00001; gnomAD 0.00001.
gnomAD v4.1: 5 of 1,613,788 alleles (0.00031%); highest among the groups gnomAD compares: African/African-American, 0.004%; no homozygotes.

Submissions (4):

Labcorp Genetics (formerly Invitae), Labcorp
Classification: Uncertain significance for Catecholaminergic polymorphic ventricular tachycardia 1. Last evaluated: 2025-12-24. Review status: criteria provided, single submitter. Criteria: Invitae Variant Classification Sherloc (09022015). Collection method: clinical testing. Allele origin: germline.
Comment: This sequence change replaces glutamic acid, which is acidic and polar, with lysine, which is basic and polar, at codon 4194 of the RYR2 protein (p.Glu4194Lys). This variant is present in population databases (rs762038111, gnomAD 0.0009%). This variant has not been reported in the literature in individuals affected with RYR2-related conditions. ClinVar contains an entry for this variant (Variation ID: 2903393). Invitae Evidence Modeling of protein sequence and biophysical properties (such as structural, functional, and spatial information, amino acid conservation, physicochemical variation, residue mobility, and thermodynamic stability) indicates that this missense variant is expected to disrupt RYR2 protein function with a positive predictive value of 95%. In summary, the available evidence is currently insufficient to determine the role of this variant in disease. Therefore, it has been classified as a Variant of Uncertain Significance.

Ambry Genetics
Classification: Uncertain significance for Cardiovascular phenotype. Last evaluated: 2025-07-03. Review status: criteria provided, single submitter. Criteria: Ambry Variant Classification Scheme 2023. Collection method: clinical testing. Allele origin: germline.
Comment: The p.E4194K variant (also known as c.12580G>A), located in coding exon 90 of the RYR2 gene, results from a G to A substitution at nucleotide position 12580. The glutamic acid at codon 4194 is replaced by lysine, an amino acid with similar properties. This amino acid position is highly conserved in available vertebrate species. In addition, this alteration is predicted to be deleterious by in silico analysis. Based on the available evidence, the clinical significance of this variant remains unclear.

Color Diagnostics, LLC DBA Color Health
Classification: Uncertain significance for Cardiomyopathy. Last evaluated: 2025-05-30. Review status: criteria provided, single submitter. Criteria: ACMG Guidelines, 2015. Collection method: clinical testing. Allele origin: germline.
Comment: This missense variant replaces glutamic acid with lysine at codon 4194 of the RYR2 protein. Computational prediction suggests that this variant may have deleterious impact on protein structure and function. To our knowledge, functional studies have not been reported for this variant. This variant has not been reported in individuals affected with RYR2-related disorders in the literature. This variant has been identified in 1/248932 chromosomes in the general population by the Genome Aggregation Database (gnomAD). The available evidence is insufficient to determine the role of this variant in disease conclusively. Therefore, this variant is classified as a Variant of Uncertain Significance.

All of Us Research Program, National Institutes of Health
Classification: Uncertain significance for Catecholaminergic polymorphic ventricular tachycardia. Last evaluated: 2024-08-06. Review status: criteria provided, single submitter. Criteria: ACMG Guidelines, 2015. Collection method: clinical testing. Allele origin: germline. Inheritance: Autosomal dominant inheritance. Observed: 2 variant alleles, 2 heterozygotes.
Comment: This study involves interpretation of variants in research participants for the purpose of population health screening. Participant phenotype was not available at the time of variant classification. Additional details can be found in publication PMID: 35346344, PMCID: PMC8962531

NM_001035.3(RYR2):c.12580G>A (p.Glu4194Lys)

Genes: RYR2 (ryanodine receptor 2; plus strand), LOC126806068 (BRD4-independent group 4 enhancer GRCh37_chr1:237947411-237948610; plus strand). Cytogenetic location: 1q43.
Variant type: single nucleotide variant.
Coding change: c.12580G>A on transcript NM_001035.3 (MANE Select); coding-DNA position 12580, G replaced by A.
Protein change: p.Glu4194Lys; replaces glutamic acid 4194 with lysine.
Molecular consequence: missense variant.
Genome position (GRCh38, 1-based): chr1:237,784,292, G>A. VCF-style: chr1-237784292-G-A. GRCh37 (hg19) VCF-style: chr1-237947592-G-A.
Other names: c.12580G>A (NM_001035.2); short protein forms E4194K.
Identifiers: ClinVar variation 2903393 (VCV002903393.6), dbSNP rs762038111, ClinGen allele CA085200.
Genomic context (GRCh38, chr1:237,784,292, plus strand): 5'-TTTGACGTGGTCAACGAAGGCGGAGAGAAAGAGAAGATGGAACTCTTTGTGAACTTCTGC[G>A]AGGACACCATCTTTGAAATGCAGCTGGCGGCTCAGATCTCGGAGTCGGACTTGAACGAGA-3'
Protein context (NP_001026.2, residues 4184-4204): EKMELFVNFC[Glu4194Lys]DTIFEMQLAA